The following is an entry in ClinVar:

NM_001458.5(FLNC):c.3247T>C (p.Phe1083Leu)

Gene: FLNC (filamin C; plus strand). Cytogenetic location: 7q32.1.
Variant type: single nucleotide variant.
Coding change: c.3247T>C on transcript NM_001458.5 (MANE Select); coding-DNA position 3247, T replaced by C.
Protein change: p.Phe1083Leu; replaces phenylalanine 1083 with leucine.
Molecular consequence: missense variant.
Genome position (GRCh38, 1-based): chr7:128,844,712, T>C. VCF-style: chr7-128844712-T-C. GRCh37 (hg19) VCF-style: chr7-128484766-T-C.
Other names: c.3247T>C, p.Phe1083Leu (NM_001127487.2); short protein forms F1083L.
Identifiers: ClinVar variation 1373557 (VCV001373557.12), dbSNP rs1354409050, ClinGen allele CA369196289.
Genomic context (GRCh38, chr7:128,844,712, plus strand): 5'-CCCTAGGTCTGTGCTTATGGCCCGGGTCTCAAGGGTGGACTGGTAGGCACCCCCGCGCCA[T>C]TCTCCATCGACACCAAGGGGGCTGGCACAGGTGGCCTGGGGCTGACCGTAGAGGGCCCCT-3'
Protein context (NP_001449.3, residues 1073-1093): KGGLVGTPAP[Phe1083Leu]SIDTKGAGTG

ClinVar aggregate classification (germline): Uncertain significance. Review status: criteria provided, multiple submitters, no conflicts (2 of 4 stars). 3 submissions from 3 submitters: Uncertain significance (2). 1 of the submissions does not count toward it. Last evaluated 2024-06-07.

Conditions:
FLNC-related disorder. Also called: FLNC-related disorders; FLNC-related condition.
Cardiovascular phenotype. Identifiers: MedGen CN230736.
Distal myopathy with posterior leg and anterior hand involvement. Also called: WILLIAMS DISTAL MYOPATHY. Identifiers: Orphanet 63273, MedGen C3279722, MONDO:0013550, OMIM 614065.
Hypertrophic cardiomyopathy 26. Also called: Cardiomyopathy, familial hypertrophic, 26. Identifiers: Orphanet 75249, MedGen C4310749, MONDO:0014883, OMIM 617047.
Myofibrillar myopathy 5. Also called: Filaminopathy (type); FILAMINOPATHY, AUTOSOMAL DOMINANT. Identifiers: Orphanet 171445, MedGen C1836050, MONDO:0012289, OMIM 609524.

Allele frequency attached by ClinVar (database versions not stated): gnomAD exomes below 0.00001.
gnomAD v4.1: 5 of 1,613,644 alleles (0.00031%); highest among the groups gnomAD compares: Non-Finnish European, 0.00042%; no homozygotes.

Submissions (3):

Ambry Genetics
Classification: Uncertain significance for Cardiovascular phenotype. Last evaluated: 2024-06-07. Review status: criteria provided, single submitter. Criteria: Ambry Variant Classification Scheme 2023. Collection method: clinical testing. Allele origin: germline.
Comment: The p.F1083L variant (also known as c.3247T>C), located in coding exon 21 of the FLNC gene, results from a T to C substitution at nucleotide position 3247. The phenylalanine at codon 1083 is replaced by leucine, an amino acid with highly similar properties. This amino acid position is conserved. In addition, this alteration is predicted to be deleterious by in silico analysis. Since supporting evidence is limited at this time, the clinical significance of this alteration remains unclear.

Labcorp Genetics (formerly Invitae), Labcorp
Classification: Uncertain significance for Distal myopathy with posterior leg and anterior hand involvement; Myofibrillar myopathy 5; Hypertrophic cardiomyopathy 26. Last evaluated: 2024-02-28. Review status: criteria provided, single submitter. Criteria: Invitae Variant Classification Sherloc (09022015). Collection method: clinical testing. Allele origin: germline.
Comment: This sequence change replaces phenylalanine, which is neutral and non-polar, with leucine, which is neutral and non-polar, at codon 1083 of the FLNC protein (p.Phe1083Leu). This variant is present in population databases (no rsID available, gnomAD 0.0009%). This variant has not been reported in the literature in individuals affected with FLNC-related conditions. ClinVar contains an entry for this variant (Variation ID: 1373557). Advanced modeling of protein sequence and biophysical properties (such as structural, functional, and spatial information, amino acid conservation, physicochemical variation, residue mobility, and thermodynamic stability) has been performed at Invitae for this missense variant, however the output from this modeling did not meet the statistical confidence thresholds required to predict the impact of this variant on FLNC protein function. In summary, the available evidence is currently insufficient to determine the role of this variant in disease. Therefore, it has been classified as a Variant of Uncertain Significance.

PreventionGenetics, part of Exact Sciences
Classification: Uncertain significance for FLNC-related condition. Last evaluated: 2024-08-05. Review status: no assertion criteria provided. Collection method: clinical testing. Allele origin: germline. Not counted in ClinVar's aggregate classification.
Comment: The FLNC c.3247T>C variant is predicted to result in the amino acid substitution p.Phe1083Leu. To our knowledge, this variant has not been reported in the literature. This variant is reported in 0.00088% of alleles in individuals of European (non-Finnish) descent in gnomAD. At this time, the clinical significance of this variant is uncertain due to the absence of conclusive functional and genetic evidence.